The following is an entry in ClinVar:

NM_001040151.2(SCN3B):c.618G>C (p.Lys206Asn)

Gene: SCN3B (sodium voltage-gated channel beta subunit 3; minus strand). Cytogenetic location: 11q24.1.
Variant type: single nucleotide variant.
Coding change: c.618G>C on transcript NM_001040151.2 (MANE Select); coding-DNA position 618, G replaced by C.
Protein change: p.Lys206Asn; replaces lysine 206 with asparagine.
Molecular consequence: missense variant.
Genome position (GRCh38, 1-based): chr11:123,634,173, C>G on the plus strand (G>C on the coding strand, the complement: SCN3B is on the minus strand). VCF-style: chr11-123634173-C-G. GRCh37 (hg19) VCF-style: chr11-123504881-C-G.
Other names: c.618G>C, p.Lys206Asn (NM_018400.4); short protein forms K206N.
Identifiers: ClinVar variation 1956227 (VCV001956227.5), dbSNP rs755266153, ClinGen allele CA6333965.

ClinVar aggregate classification (germline): Uncertain significance (1 of 4 stars; one submission).

Conditions:
Brugada syndrome 7 (BRGDA7). Identifiers: Orphanet 130, MedGen C2751088, MONDO:0013146, OMIM 613120.

Allele frequency attached by ClinVar (database versions not stated): TOPMed below 0.00001; ExAC 0.00001.

Submission:

Labcorp Genetics (formerly Invitae), Labcorp
Classification: Uncertain significance for Brugada syndrome 7. Last evaluated: 2022-02-04. Review status: criteria provided, single submitter. Criteria: Invitae Variant Classification Sherloc (09022015). Collection method: clinical testing. Allele origin: germline.
Comment: In summary, the available evidence is currently insufficient to determine the role of this variant in disease. Therefore, it has been classified as a Variant of Uncertain Significance. Algorithms developed to predict the effect of missense changes on protein structure and function (SIFT, PolyPhen-2, Align-GVGD) all suggest that this variant is likely to be disruptive. This variant has not been reported in the literature in individuals affected with SCN3B-related conditions. This variant is present in population databases (rs755266153, gnomAD 0.007%). This sequence change replaces lysine, which is basic and polar, with asparagine, which is neutral and polar, at codon 206 of the SCN3B protein (p.Lys206Asn).